The following is an entry in ClinVar:

NM_020774.4(MIB1):c.2640del (p.Cys881fs)

Gene: MIB1 (MIB E3 ubiquitin protein ligase 1; plus strand). Cytogenetic location: 18q11.2.
Variant type: Deletion.
Coding change: c.2640del on transcript NM_020774.4 (MANE Select); coding-DNA position 2640, one base deleted (C; older notation c.2640delC).
Protein change: p.Cys881fs; shifts the reading frame from cysteine 881.
Molecular consequence: frameshift variant.
Genome position (GRCh38, 1-based): chr18:21,853,193, C deleted; the last of 3 consecutive C bases (chr18:21,853,191-21,853,193); deleting any one gives the same sequence. VCF-style (leftmost placement, unchanged base first): chr18-21853190-AC-A. GRCh37 (hg19) VCF-style: chr18-19433151-AC-A.
Other names: c.2640delC, p.Cys881Valfs (NM_020774.3); short protein forms C881fs.
Identifiers: ClinVar variation 3572740 (VCV003572740.2).
Genomic context (GRCh38, chr18:21,853,190, plus strand): 5'-TTTTCTATAGATTGAAGAATGTGTGGTATGCTCTGACAAGAAAGCAGCTGTTCTTTTTCA[AC>A]CCTGTGGCCACATGTGTGCTTGTGAGAGTAAGTAGCCTATGCAGAGTTCCTCAATATTAT-3'

ClinVar aggregate classification (germline): Uncertain significance (1 of 4 stars; one submission).

Submission:

GeneDx
Classification: Uncertain significance. Last evaluated: 2025-09-26. Review status: criteria provided, single submitter. Criteria: GeneDx Variant Classification Process June 2021. Collection method: clinical testing. Allele origin: germline.
Comment: Not observed at significant frequency in large population cohorts (gnomAD); Frameshift variant predicted to result in protein truncation or nonsense mediated decay in a gene or region of a gene for which loss of function is not a well-established mechanism of disease; Has not been previously published as pathogenic or benign to our knowledge; Variants in candidate genes are classified as variants of uncertain significance in accordance with ACMG guidelines (PMID: 25741868)